The following is an entry in ClinVar:

ClinVar aggregate classification (germline): Likely pathogenic (1 of 4 stars; one submission).

Conditions:
Permanent neonatal diabetes mellitus (PNDM). Identifiers: Orphanet 99885, MedGen C1833104, MONDO:0100164, MONDO:0011643. Disease mechanism: gain of function.

Submission:

Natera, Inc.
Classification: Likely pathogenic for Permanent neonatal diabetes mellitus. Last evaluated: 2025-12-13. Review status: criteria provided, single submitter. Criteria: Natera Variant Classification Schema (03/2026). Collection method: clinical testing. Allele origin: germline.
Comment: The c.937C>T variant in KCNJ11 is a nonsense variant predicted to introduce a stop codon at amino acid 313. This variant is expected to result in nonsense mediated decay, truncation, or a dysfunctional protein product. This variant is rare in the general population with a frequency below the threshold expected for the associated phenotype(s). Given the available evidence, this variant is classified as Likely Pathogenic.

NM_000525.4(KCNJ11):c.937C>T (p.Gln313Ter)

Gene: KCNJ11 (potassium inwardly rectifying channel subfamily J member 11; minus strand). Cytogenetic location: 11p15.1.
Variant type: single nucleotide variant.
Coding change: c.937C>T on transcript NM_000525.4 (MANE Select); coding-DNA position 937, C replaced by T.
Protein change: p.Gln313Ter; replaces glutamine 313 with a stop codon.
Molecular consequence: nonsense.
Genome position (GRCh38, 1-based): chr11:17,387,155, G>A on the plus strand (C>T on the coding strand, the complement: KCNJ11 is on the minus strand). VCF-style: chr11-17387155-G-A. GRCh37 (hg19) VCF-style: chr11-17408702-G-A.
Other names: c.676C>T, p.Gln226Ter (NM_001166290.2, NM_001377296.1, NM_001377297.1); short protein forms Q226*, Q313*.
Identifiers: ClinVar variation 4814301 (VCV004814301.1).
Genomic context (GRCh38, chr11:17,387,155, plus strand): 5'-ACTTGGAGTAGTCCACAGAGTAACGTCCGTCCTCCTCAGCTACAATGGGCACAAAGCGCT[G>A]GCCCCACAGGATCTCATCGGCCAGGTAGGAGGTGCGGGCCTGGGTGGTGATGCCCGTGGT-3'